The following is an entry in ClinVar:

NM_005857.5(ZMPSTE24):c.769+4192C>T

Gene: ZMPSTE24 (zinc metallopeptidase STE24; plus strand). Cytogenetic location: 1p34.2.
Variant type: single nucleotide variant.
Coding change: c.769+4192C>T on transcript NM_005857.5 (MANE Select); 4192 bases into the intron after coding-DNA position 769, C replaced by T.
Molecular consequence: intron variant.
Genome position (GRCh38, 1-based): chr1:40,276,227, C>T. VCF-style: chr1-40276227-C-T. GRCh37 (hg19) VCF-style: chr1-40741899-C-T.
Other names: c.769+4192C>T (LRG_212t1).
Identifiers: ClinVar variation 140538 (VCV000140538.1), dbSNP rs6676644, ClinGen allele CA232763.

ClinVar aggregate classification (germline): not provided (0 of 4 stars; one submission).

Allele frequency attached by ClinVar (database versions not stated): gnomAD 0.90466 and 0.90576; TOPMed 0.90959; 1000 Genomes Project 0.91354; 1000 Genomes Project 30x 0.91615.
gnomAD v4.1: 137,750 of 152,274 alleles (90%); highest among the groups gnomAD compares: African/African-American, 97%; 62,467 homozygotes.

Submission:

ZMPSTE24 homepage - Leiden Muscular Dystrophy pages
No classification provided. Review status: no classification provided. Collection method: not provided. Allele origin: germline.
Comment: no known functional consequence